The following is an entry in ClinVar:

ClinVar aggregate classification (germline): Uncertain significance (1 of 4 stars; one submission).

Conditions:
Inborn genetic diseases. Identifiers: MedGen C0950123, MeSH D030342.

Allele frequency attached by ClinVar (database versions not stated): gnomAD 0.00001; TOPMed 0.00001; ExAC 0.00002; ESP Exome Variant Server 0.00015.
gnomAD v4.1: 4 of 1,614,024 alleles (0.00025%); highest among the groups gnomAD compares: East Asian, 0.0022%; no homozygotes.

Submission:

Ambry Genetics
Classification: Uncertain significance for Inborn genetic diseases. Last evaluated: 2020-12-01. Review status: criteria provided, single submitter. Criteria: Ambry Variant Classification Scheme 2023. Collection method: clinical testing. Allele origin: germline.
Comment: The c.1026C>G (p.H342Q) alteration is located in coding exon 7 of the NFIB gene. This alteration results from a C to G substitution at nucleotide position 1026, causing the histidine (H) at amino acid position 342 to be replaced by a glutamine (Q). Based on data from the Genome Aggregation Database (gnomAD) database, the NFIB c.1026C>G alteration was observed in 0.0008% (2/251254) of total alleles studied. The p.H342 amino acid is conserved in available higher vertebrate species. The p.H342Q alteration is predicted to be tolerated by in silico analysis. Based on insufficient or conflicting evidence, the clinical significance of this alteration remains unclear.

NM_001190737.2(NFIB):c.1026C>G (p.His342Gln)

Gene: NFIB (nuclear factor I B; minus strand). Cytogenetic location: 9p23.
Variant type: single nucleotide variant.
Coding change: c.1026C>G on transcript NM_001190737.2 (MANE Select); coding-DNA position 1026, C replaced by G.
Protein change: p.His342Gln; replaces histidine 342 with glutamine.
Molecular consequence: missense variant. On other transcripts: non-coding transcript variant (4).
Genome position (GRCh38, 1-based): chr9:14,125,666, G>C on the plus strand (C>G on the coding strand, the complement: NFIB is on the minus strand). VCF-style: chr9-14125666-G-C. GRCh37 (hg19) VCF-style: chr9-14125665-G-C.
Other names: c.1104C>G, p.His368Gln (NM_001190738.2); c.270C>G, p.His90Gln (NM_001282787.2); c.1092C>G, p.His364Gln (NM_001369458.1, NM_001369459.1, NM_001369462.1 and 1 more transcripts); c.1014C>G, p.His338Gln (NM_001369460.1, NM_001369463.1, NM_001369466.1 and 2 more transcripts); c.1026C>G, p.His342Gln (NM_001369461.1, NM_001369464.1, NM_001369471.1 and 1 more transcripts); c.999C>G, p.His333Gln (NM_001369465.1, NM_001369467.1, NM_001369476.1); c.882C>G, p.His294Gln (NM_001369469.1); c.789C>G, p.His263Gln (NM_001369470.1, NM_001369478.1); and 4 more; short protein forms H338Q, H368Q, H324Q, H333Q, H90Q, H263Q, H267Q, H163Q.
Identifiers: ClinVar variation 2369067 (VCV002369067.2), dbSNP rs375951326, ClinGen allele CA4988485.